The following is an entry in ClinVar:

NM_001365999.1(SZT2):c.9823C>T (p.Arg3275Trp)

Genes: SZT2 (SZT2 subunit of KICSTOR complex; plus strand), SZT2-AS1 (SZT2 antisense RNA 1; minus strand). Cytogenetic location: 1p34.2.
Variant type: single nucleotide variant.
Coding change: c.9823C>T on transcript NM_001365999.1 (MANE Select); coding-DNA position 9823, C replaced by T.
Protein change: p.Arg3275Trp; replaces arginine 3275 with tryptophan.
Molecular consequence: missense variant. On other transcripts: non-coding transcript variant (1).
Genome position (GRCh38, 1-based): chr1:43,448,338, C>T. VCF-style: chr1-43448338-C-T. GRCh37 (hg19) VCF-style: chr1-43914009-C-T.
Other names: c.9652C>T, p.Arg3218Trp (NM_015284.4); short protein forms R3275W, R3218W.
Identifiers: ClinVar variation 658732 (VCV000658732.8), dbSNP rs1048216362, ClinGen allele CA21653387.

ClinVar aggregate classification (germline): Uncertain significance (1 of 4 stars; one submission).

Allele frequency attached by ClinVar (database versions not stated): gnomAD exomes below 0.00001 and 0.00001.
gnomAD v4.1: 4 of 1,552,886 alleles (0.00026%); highest among the groups gnomAD compares: East Asian, 0.0049%; no homozygotes.

Submission:

Labcorp Genetics (formerly Invitae), Labcorp
Classification: Uncertain significance. Last evaluated: 2021-08-28. Review status: criteria provided, single submitter. Criteria: Invitae Variant Classification Sherloc (09022015). Collection method: clinical testing. Allele origin: germline.
Comment: This sequence change replaces arginine with tryptophan at codon 3218 of the SZT2 protein (p.Arg3218Trp). The arginine residue is highly conserved and there is a moderate physicochemical difference between arginine and tryptophan. This variant is not present in population databases (ExAC no frequency). This variant has not been reported in the literature in individuals affected with SZT2-related conditions. Algorithms developed to predict the effect of missense changes on protein structure and function are either unavailable or do not agree on the potential impact of this missense change (SIFT: "Deleterious"; PolyPhen-2: "Probably Damaging"; Align-GVGD: "Class C15"). In summary, the available evidence is currently insufficient to determine the role of this variant in disease. Therefore, it has been classified as a Variant of Uncertain Significance.